The following is an entry in ClinVar:

NM_002796.3(PSMB4):c.590_592del (p.Glu197del)

Gene: PSMB4 (proteasome 20S subunit beta 4; plus strand). Cytogenetic location: 1q21.3.
Variant type: Deletion.
Coding change: c.590_592del on transcript NM_002796.3 (MANE Select); coding-DNA positions 590 to 592, 3 bases deleted (AAG; older notation c.590_592delAAG).
Protein change: p.Glu197del; deletes glutamic acid 197.
Molecular consequence: inframe deletion.
Genome position (GRCh38, 1-based): chr1:151,401,252-151,401,254, AAG deleted; deleting any 3 consecutive bases within chr1:151,401,250-151,401,254 gives the same sequence; the c. name uses the placement nearest the transcript's 3' end. VCF-style (leftmost placement, unchanged base first): chr1-151401249-GAGA-G. GRCh37 (hg19) VCF-style: chr1-151373725-GAGA-G.
Other names: short protein forms E197del.
Identifiers: ClinVar variation 2783998 (VCV002783998.3), dbSNP rs1449479328, ClinGen allele CA526287009.

ClinVar aggregate classification (germline): Uncertain significance (1 of 4 stars; one submission).

Submission:

Labcorp Genetics (formerly Invitae), Labcorp
Classification: Uncertain significance. Last evaluated: 2023-04-10. Review status: criteria provided, single submitter. Criteria: Invitae Variant Classification Sherloc (09022015). Collection method: clinical testing. Allele origin: germline.
Comment: This variant, c.590_592del, results in the deletion of 1 amino acid(s) of the PSMB4 protein (p.Glu197del), but otherwise preserves the integrity of the reading frame. This variant is present in population databases (no rsID available, gnomAD 0.006%). This variant has not been reported in the literature in individuals affected with PSMB4-related conditions. Experimental studies and prediction algorithms are not available or were not evaluated, and the functional significance of this variant is currently unknown. In summary, the available evidence is currently insufficient to determine the role of this variant in disease. Therefore, it has been classified as a Variant of Uncertain Significance.